The following is an entry in ClinVar:

NM_000355.4(TCN2):c.649_650del (p.Gln217fs)

Gene: TCN2 (transcobalamin 2; plus strand). Cytogenetic location: 22q12.2.
Variant type: Deletion.
Coding change: c.649_650del on transcript NM_000355.4 (MANE Select); coding-DNA positions 649 to 650, 2 bases deleted (CA; older notation c.649_650delCA).
Protein change: p.Gln217fs; shifts the reading frame from glutamine 217.
Molecular consequence: frameshift variant.
Genome position (GRCh38, 1-based): chr22:30,615,369-30,615,370, CA deleted; deleting any 2 consecutive bases within chr22:30,615,368-30,615,370 gives the same sequence; the c. name uses the placement nearest the transcript's 3' end. VCF-style (leftmost placement, unchanged base first): chr22-30615367-GAC-G. GRCh37 (hg19) VCF-style: chr22-31011354-GAC-G.
Other names: c.568_569del, p.Gln190fs (NM_001184726.2); short protein forms Q217fs, Q190fs.
Identifiers: ClinVar variation 2750346 (VCV002750346.3), dbSNP rs2517908693, ClinGen allele CA2697552687.

ClinVar aggregate classification (germline): Pathogenic (1 of 4 stars; one submission).

Conditions:
Transcobalamin II deficiency (TCN2D). Also called: Transcolabamin II deficiency; TC II DEFICIENCY; TCN2 DEFICIENCY. Identifiers: Orphanet 859, MedGen C0342701, MONDO:0010149, OMIM 275350.

Submission:

Labcorp Genetics (formerly Invitae), Labcorp
Classification: Pathogenic for Transcobalamin II deficiency. Last evaluated: 2023-11-01. Review status: criteria provided, single submitter. Criteria: Invitae Variant Classification Sherloc (09022015). Collection method: clinical testing. Allele origin: germline.
Comment: This sequence change creates a premature translational stop signal (p.Gln217Thrfs*86) in the TCN2 gene. It is expected to result in an absent or disrupted protein product. Loss-of-function variants in TCN2 are known to be pathogenic (PMID: 7980584, 20352340). This variant is not present in population databases (gnomAD no frequency). This variant has not been reported in the literature in individuals affected with TCN2-related conditions. For these reasons, this variant has been classified as Pathogenic.

Literature cited by the submitters: PubMed 7980584; PubMed 20352340.